The following is an entry in ClinVar:

NM_006939.4(SOS2):c.3646C>G (p.Pro1216Ala)

Gene: SOS2 (SOS Ras/Rho guanine nucleotide exchange factor 2; minus strand). Cytogenetic location: 14q21.3.
Variant type: single nucleotide variant.
Coding change: c.3646C>G on transcript NM_006939.4 (MANE Select); coding-DNA position 3646, C replaced by G.
Protein change: p.Pro1216Ala; replaces proline 1216 with alanine.
Molecular consequence: missense variant.
Genome position (GRCh38, 1-based): chr14:50,118,697, G>C on the plus strand (C>G on the coding strand, the complement: SOS2 is on the minus strand). VCF-style: chr14-50118697-G-C. GRCh37 (hg19) VCF-style: chr14-50585415-G-C.
Other names: c.3547C>G, p.Pro1183Ala (NM_001411020.1); short protein forms P1216A, P1183A.
Identifiers: ClinVar variation 4614989 (VCV004614989.1).

ClinVar aggregate classification (germline): Uncertain significance (1 of 4 stars; one submission).

Conditions:
Cardiovascular phenotype. Identifiers: MedGen CN230736.

Submission:

Ambry Genetics
Classification: Uncertain significance for Cardiovascular phenotype. Last evaluated: 2025-09-28. Review status: criteria provided, single submitter. Criteria: Ambry Variant Classification Scheme 2023. Collection method: clinical testing. Allele origin: germline.
Comment: The p.P1216A variant (also known as c.3646C>G), located in coding exon 23 of the SOS2 gene, results from a C to G substitution at nucleotide position 3646. The proline at codon 1216 is replaced by alanine, an amino acid with highly similar properties. This amino acid position is conserved. In addition, the in silico prediction for this alteration is inconclusive. Based on the available evidence, the clinical significance of this variant remains unclear.